The following is an entry in ClinVar:

NM_203446.3(SYNJ1):c.3463A>G (p.Arg1155Gly)

Gene: SYNJ1 (synaptojanin 1; minus strand). Cytogenetic location: 21q22.11.
Variant type: single nucleotide variant.
Coding change: c.3463A>G on transcript NM_203446.3 (MANE Select); coding-DNA position 3463, A replaced by G.
Protein change: p.Arg1155Gly; replaces arginine 1155 with glycine.
Molecular consequence: missense variant. On other transcripts: intron variant (2).
Genome position (GRCh38, 1-based): chr21:32,643,425, T>C on the plus strand (A>G on the coding strand, the complement: SYNJ1 is on the minus strand). VCF-style: chr21-32643425-T-C. GRCh37 (hg19) VCF-style: chr21-34015735-T-C.
Other names: c.3580A>G (NM_003895.3); c.3580A>G, p.Arg1194Gly (NM_003895.4); c.3431-1292A>G (NM_001160302.2); c.3377-1459A>G (NM_001160306.2); short protein forms R1155G, R1194G.
Identifiers: ClinVar variation 1896768 (VCV001896768.7), dbSNP rs774571965, ClinGen allele CA10003397.
Genomic context (GRCh38, chr21:32,643,425, plus strand): 5'-AAATAAAATGAGAGAACCACTTCTATAATGCAAGAGTCTTGTTACCTTCCATCTCTCTCC[T>C]AGCTACCCCAGGACTGGGAGGGGCTCCAATACCTTTTTAGAGAAAGAACAGAAACTATAT-3'
Protein context (NP_982271.3, residues 1145-1165): IGAPPSPGVA[Arg1155Gly]REMEAPKSPG

ClinVar aggregate classification (germline): Uncertain significance. Review status: criteria provided, multiple submitters, no conflicts (2 of 4 stars). 2 submissions from 2 submitters: Uncertain significance (2). Last evaluated 2024-04-29.

Conditions:
Developmental and epileptic encephalopathy, 53. Also called: Epileptic encephalopathy, early infantile, 53. Identifiers: MedGen C4479313, MONDO:0033362, OMIM 617389.
Early-onset Parkinson disease 20. Also called: PARKINSON DISEASE 20, AUTOSOMAL RECESSIVE EARLY-ONSET. Identifiers: Orphanet 391411, MedGen C3809824, MONDO:0014233, OMIM 615530.
Inborn genetic diseases. Identifiers: MedGen C0950123, MeSH D030342.

Allele frequency attached by ClinVar (database versions not stated): gnomAD exomes 0.00001; ExAC 0.00002.
gnomAD v4.1: 8 of 1,613,744 alleles (0.0005%); highest among the groups gnomAD compares: East Asian, 0.016%; no homozygotes.

Submissions (2):

Labcorp Genetics (formerly Invitae), Labcorp
Classification: Uncertain significance for Developmental and epileptic encephalopathy, 53; Early-onset Parkinson disease 20. Last evaluated: 2024-04-29. Review status: criteria provided, single submitter. Criteria: Invitae Variant Classification Sherloc (09022015). Collection method: clinical testing. Allele origin: germline.
Comment: This sequence change replaces arginine, which is basic and polar, with glycine, which is neutral and non-polar, at codon 1194 of the SYNJ1 protein (p.Arg1194Gly). This variant is present in population databases (rs774571965, gnomAD 0.03%). This variant has not been reported in the literature in individuals affected with SYNJ1-related conditions. ClinVar contains an entry for this variant (Variation ID: 1896768). An algorithm developed to predict the effect of missense changes on protein structure and function (PolyPhen-2) suggests that this variant is likely to be disruptive. In summary, the available evidence is currently insufficient to determine the role of this variant in disease. Therefore, it has been classified as a Variant of Uncertain Significance.

Ambry Genetics
Classification: Uncertain significance for Inborn genetic diseases. Last evaluated: 2023-02-15. Review status: criteria provided, single submitter. Criteria: Ambry Variant Classification Scheme 2023. Collection method: clinical testing. Allele origin: germline.